The following is an entry in ClinVar:

ClinVar aggregate classification (germline): Conflicting classifications of pathogenicity. Review status: criteria provided, conflicting classifications (1 of 4 stars). 2 submissions from 2 submitters: Uncertain significance (1); Benign (1). Last evaluated 2023-07-10.

Conditions:
Neurodevelopmental disorder with or without hyperkinetic movements and seizures, autosomal dominant. Also called: Intellectual disability, autosomal dominant 8. Identifiers: MedGen C3280282, MONDO:0013655, OMIM 614254.

Allele frequency attached by ClinVar (database versions not stated): gnomAD exomes below 0.00001 and 0.00001; gnomAD 0.00001; TOPMed 0.00001.
gnomAD v4.1: 6 of 1,596,960 alleles (0.00038%); highest among the groups gnomAD compares: East Asian, 0.0045%; no homozygotes.

Submissions (2):

Labcorp Genetics (formerly Invitae), Labcorp
Classification: Benign for Neurodevelopmental disorder with or without hyperkinetic movements and seizures, autosomal dominant. Last evaluated: 2023-07-10. Review status: criteria provided, single submitter. Criteria: Invitae Variant Classification Sherloc (09022015). Collection method: clinical testing. Allele origin: germline.

GeneDx
Classification: Uncertain significance. Last evaluated: 2023-01-11. Review status: criteria provided, single submitter. Criteria: GeneDx Variant Classification Process June 2021. Collection method: clinical testing. Allele origin: germline. Affected: yes.
Comment: In silico analysis supports that this missense variant does not alter protein structure/function; Has not been previously published as pathogenic or benign to our knowledge

NM_007327.4(GRIN1):c.700G>A (p.Ala234Thr)

Gene: GRIN1 (glutamate ionotropic receptor NMDA type subunit 1; plus strand). Cytogenetic location: 9q34.3.
Variant type: single nucleotide variant.
Coding change: c.700G>A on transcript NM_007327.4 (MANE Select); coding-DNA position 700, G replaced by A.
Protein change: p.Ala234Thr; replaces alanine 234 with threonine.
Molecular consequence: missense variant.
Genome position (GRCh38, 1-based): chr9:137,156,697, G>A. VCF-style: chr9-137156697-G-A. GRCh37 (hg19) VCF-style: chr9-140051149-G-A.
Other names: c.700G>A, p.Ala234Thr (NM_000832.7, NM_021569.4); c.763G>A, p.Ala255Thr (NM_001185090.2, NM_001185091.2); c.700G>A (NM_007327.3); short protein forms A234T, A255T.
Identifiers: ClinVar variation 1663918 (VCV001663918.9), dbSNP rs1464941427, ClinGen allele CA375714674.